The following is an entry in ClinVar:

NM_053025.4(MYLK):c.24C>G (p.Ala8=)

Gene: MYLK (myosin light chain kinase; minus strand). Cytogenetic location: 3q21.1.
Variant type: single nucleotide variant.
Coding change: c.24C>G on transcript NM_053025.4 (MANE Select); coding-DNA position 24, C replaced by G.
Protein change: p.Ala8=; no amino-acid change (alanine 8 retained).
Molecular consequence: synonymous variant. On other transcripts: 5 prime UTR variant (1).
Genome position (GRCh38, 1-based): chr3:123,793,818, G>C on the plus strand (C>G on the coding strand, the complement: MYLK is on the minus strand). VCF-style: chr3-123793818-G-C. GRCh37 (hg19) VCF-style: chr3-123512665-G-C.
Other names: c.-297C>G (NM_001321309.2); c.24C>G, p.Ala8= (NM_053026.4, NM_053027.4, NM_053028.4).
Identifiers: ClinVar variation 263976 (VCV000263976.27), dbSNP rs78118111, ClinGen allele CA068910.

ClinVar aggregate classification (germline): Benign/Likely benign. Review status: criteria provided, multiple submitters, no conflicts (2 of 4 stars). 8 submissions from 8 submitters: Benign (3); Likely benign (5). Last evaluated 2026-07-01.

Conditions:
Familial thoracic aortic aneurysm and aortic dissection (TAAD). Also called: Thoracic aortic aneurysms and dissections. Identifiers: Orphanet 91387, MedGen C4707243, MONDO:0019625.
Aortic aneurysm, familial thoracic 7 (AAT7). Also called: AORTIC DISSECTION, FAMILIAL, WITH OR WITHOUT AORTIC ANEURYSM. Identifiers: MedGen C3151077, MONDO:0013418, OMIM 613780.

Allele frequency attached by ClinVar (database versions not stated): ExAC 0.00075; 1000 Genomes Project 0.00180; 1000 Genomes Project 30x 0.00187; gnomAD 0.00229; TOPMed 0.00241; ESP Exome Variant Server 0.00254.
gnomAD v4.1: 695 of 1,614,198 alleles (0.043%); highest among the groups gnomAD compares: African/African-American, 0.78%; 5 homozygotes.

Submissions (8):

CeGaT Center for Human Genetics Tuebingen
Classification: Likely benign. Last evaluated: 2026-07-01. Review status: criteria provided, single submitter. Criteria: CeGaT Center For Human Genetics Tuebingen Variant Classification Criteria Version 2. Collection method: clinical testing. Allele origin: germline. Affected: yes. Observed: 1 variant allele.
Comment: MYLK: BP4, BP7

Labcorp Genetics (formerly Invitae), Labcorp
Classification: Benign for Aortic aneurysm, familial thoracic 7. Last evaluated: 2026-01-21. Review status: criteria provided, single submitter. Criteria: Invitae Variant Classification Sherloc (09022015). Collection method: clinical testing. Allele origin: germline.

ARUP Laboratories, Molecular Genetics and Genomics, ARUP Laboratories
Classification: Benign. Last evaluated: 2023-09-22. Review status: criteria provided, single submitter. Criteria: ARUP Molecular Germline Variant Investigation Process 2024. Collection method: clinical testing. Allele origin: germline.

Women's Health and Genetics/Laboratory Corporation of America, LabCorp
Classification: Benign. Last evaluated: 2023-07-21. Review status: criteria provided, single submitter. Criteria: LabCorp Variant Classification Summary - May 2015. Collection method: clinical testing. Allele origin: germline.

Phosphorus, Inc.
Classification: Likely benign. Last evaluated: 2022-01-17. Review status: criteria provided, single submitter. Criteria: ACMG Guidelines, 2015. Collection method: clinical testing. Allele origin: germline. Inheritance: Autosomal dominant inheritance.
Comment: This synonymous variant has an entry in ClinVar (263976) NM_053025.4 (MYLK): c.24C>G (p.Ala8=) and has occurred in GnomAD with a total MAF of 0.0614% and highest MAF of 0.8496% in the African population. This position is not conserved. In silico splicing algorithm was unavailable, however it is not predicted to impact splicing due to its distance from the splice site. No functional studies were performed to confirm this prediction. The variant has not occurred in literature associated with disease. Considering the above evidence, this variant has been classified as Likely Benign.

GeneDx
Classification: Likely benign. Last evaluated: 2021-08-26. Review status: criteria provided, single submitter. Criteria: GeneDx Variant Classification Process June 2021. Collection method: clinical testing. Allele origin: germline. Affected: yes.

CHEO Genetics Diagnostic Laboratory, Children's Hospital of Eastern Ontario
Classification: Likely benign for Familial thoracic aortic aneurysm and aortic dissection. Last evaluated: 2016-07-05. Review status: criteria provided, single submitter. Criteria: ACMG Guidelines, 2015. Collection method: clinical testing. Allele origin: germline. Study: Canadian Open Genetics Repository.

Ambry Genetics
Classification: Likely benign for Familial thoracic aortic aneurysm and aortic dissection. Last evaluated: 2015-04-20. Review status: criteria provided, single submitter. Criteria: Ambry Variant Classification Scheme 2023. Collection method: clinical testing. Allele origin: germline.